The following is an entry in ClinVar:

NC_000002.11:g.(?_72359356)_(74779761_?)del

Genes: STAMBP (STAM binding protein; plus strand), CYP26B1 (cytochrome P450 family 26 subfamily B member 1; minus strand), PCGF1 (polycomb group ring finger 1; minus strand), DCTN1 (dynactin subunit 1; minus strand), RTKN (rhotekin; minus strand) and 39 more. Cytogenetic location: 2p13.2-13.1.
Variant type: Deletion.
Identifiers: ClinVar variation 2425561 (VCV002425561.5).

ClinVar aggregate classification (germline): Pathogenic. Review status: criteria provided, single submitter (1 of 4 stars). 2 submissions from 1 submitter: Pathogenic (1). 1 of the submissions does not count toward it. Last evaluated 2022-05-29.

Conditions:
MOGS-congenital disorder of glycosylation. Also called: CDG 2B; MOGS-CDG; CDG IIb; GLUCOSIDASE I DEFICIENCY. Identifiers: Orphanet 79330, MedGen C1853736, MONDO:0011629, OMIM 606056.

Submissions (2):

Labcorp Genetics (formerly Invitae), Labcorp
Classification: Pathogenic. Last evaluated: 2022-05-29. Review status: criteria provided, single submitter. Criteria: Invitae Variant Classification Sherloc (09022015). Collection method: clinical testing. Allele origin: germline.
Comment: A gross deletion of the genomic region encompassing the full coding sequence of the HTRA2 gene has been identified. Loss-of-function variants in HTRA2 are known to be pathogenic (PMID: 25531304, 27208207, 27696117). The boundaries of this event are unknown as they extend beyond the assayed region for this gene and therefore may encompass additional genes. This variant has not been reported in the literature in individuals affected with HTRA2-related conditions. For these reasons, this variant has been classified as Pathogenic.

Labcorp Genetics (formerly Invitae), Labcorp
Classification: Pathogenic for MOGS-congenital disorder of glycosylation. Last evaluated: 2022-05-29. Review status: flagged submission. Criteria: Invitae Variant Classification Sherloc (09022015). Collection method: clinical testing. Allele origin: germline. Not counted in ClinVar's aggregate classification.
Comment: A gross deletion of the genomic region encompassing the full coding sequence of the MOGS gene has been identified. Loss-of-function variants in MOGS are known to be pathogenic (PMID: 24716661, 26805780). The boundaries of this event are unknown as they extend beyond the assayed region for this gene and therefore may encompass additional genes. This variant has not been reported in the literature in individuals affected with MOGS-related conditions. For these reasons, this variant has been classified as Pathogenic.
ClinVar note: Reason: This record appears to be redundant with a more recent record from the same submitter.
ClinVar note: Notes: SCV003791461 appears to be redundant with SCV003792832.

Literature cited by the submitters: PubMed 25531304; PubMed 27208207; PubMed 27696117; PubMed 24716661; PubMed 26805780.